The following is an entry in ClinVar:

NM_006648.4(WNK2):c.269G>A (p.Arg90His)

Gene: WNK2 (WNK lysine deficient protein kinase 2; plus strand). Cytogenetic location: 9q22.31.
Variant type: single nucleotide variant.
Coding change: c.269G>A on transcript NM_006648.4 (MANE Select); coding-DNA position 269, G replaced by A.
Protein change: p.Arg90His; replaces arginine 90 with histidine.
Molecular consequence: missense variant.
Genome position (GRCh38, 1-based): chr9:93,185,198, G>A. VCF-style: chr9-93185198-G-A. GRCh37 (hg19) VCF-style: chr9-95947480-G-A.
Other names: c.269G>A, p.Arg90His (NM_001282394.3); short protein forms R90H.
Identifiers: ClinVar variation 3816893 (VCV003816893.1).

ClinVar aggregate classification (germline): Uncertain significance (1 of 4 stars; one submission).

Submission:

Ambry Genetics
Classification: Uncertain significance. Last evaluated: 2025-01-21. Review status: criteria provided, single submitter. Criteria: Ambry Variant Classification Scheme 2023. Collection method: clinical testing. Allele origin: germline.
Comment: The p.R90H variant (also known as c.269G>A), located in coding exon 1 of the WNK2 gene, results from a G to A substitution at nucleotide position 269. The arginine at codon 90 is replaced by histidine, an amino acid with highly similar properties. This amino acid position is conserved. In addition, this alteration is predicted to be tolerated by in silico analysis. Based on the available evidence, the clinical significance of this variant remains unclear.